The following is an entry in ClinVar:

ClinVar aggregate classification (germline): Likely benign (0 of 4 stars; one submission).

Conditions:
GTF2H5-related disorder. Also called: GTF2H5-related condition.

Allele frequency attached by ClinVar (database versions not stated): gnomAD 0.00002; TOPMed 0.00002; ExAC 0.00004; ESP Exome Variant Server 0.00008.
gnomAD v4.1: 25 of 1,613,524 alleles (0.0015%); highest among the groups gnomAD compares: Non-Finnish European, 0.0019%; no homozygotes.

Submission:

PreventionGenetics, part of Exact Sciences
Classification: Likely benign for GTF2H5-related condition. Last evaluated: 2019-02-27. Review status: no assertion criteria provided. Collection method: clinical testing. Allele origin: germline.
Comment: This variant is classified as likely benign based on ACMG/AMP sequence variant interpretation guidelines (Richards et al. 2015 PMID: 25741868, with internal and published modifications).

NM_207118.3(GTF2H5):c.171G>A (p.Val57=)

Gene: GTF2H5 (general transcription factor IIH subunit 5; plus strand). Cytogenetic location: 6q25.3.
Variant type: single nucleotide variant.
Coding change: c.171G>A on transcript NM_207118.3 (MANE Select); coding-DNA position 171, G replaced by A.
Protein change: p.Val57=; no amino-acid change (valine 57 retained).
Molecular consequence: synonymous variant.
Genome position (GRCh38, 1-based): chr6:158,192,112, G>A. VCF-style: chr6-158192112-G-A. GRCh37 (hg19) VCF-style: chr6-158613144-G-A.
Identifiers: ClinVar variation 3057341 (VCV003057341.2), dbSNP rs376497189, ClinGen allele CA4071617.